The following is an entry in ClinVar:

ClinVar aggregate classification (germline): Uncertain significance (1 of 4 stars; one submission).

Submission:

Labcorp Genetics (formerly Invitae), Labcorp
Classification: Uncertain significance. Last evaluated: 2024-08-08. Review status: criteria provided, single submitter. Criteria: Invitae Variant Classification Sherloc (09022015). Collection method: clinical testing. Allele origin: germline.
Comment: This sequence change replaces serine, which is neutral and polar, with phenylalanine, which is neutral and non-polar, at codon 2110 of the ATR protein (p.Ser2110Phe). This variant is present in population databases (rs751140070, gnomAD 0.002%). This variant has not been reported in the literature in individuals affected with ATR-related conditions. ClinVar contains an entry for this variant (Variation ID: 1462998). An algorithm developed to predict the effect of missense changes on protein structure and function (PolyPhen-2) suggests that this variant¬†is likely to be tolerated. In summary, the available evidence is currently insufficient to determine the role of this variant in disease. Therefore, it has been classified as a Variant of Uncertain Significance.

NM_001184.4(ATR):c.6329C>T (p.Ser2110Phe)

Gene: ATR (ATR serine/threonine kinase; minus strand). Cytogenetic location: 3q23.
Variant type: single nucleotide variant.
Coding change: c.6329C>T on transcript NM_001184.4 (MANE Select); coding-DNA position 6329, C replaced by T.
Protein change: p.Ser2110Phe; replaces serine 2110 with phenylalanine.
Molecular consequence: missense variant.
Genome position (GRCh38, 1-based): chr3:142,469,560, G>A on the plus strand (C>T on the coding strand, the complement: ATR is on the minus strand). VCF-style: chr3-142469560-G-A. GRCh37 (hg19) VCF-style: chr3-142188402-G-A.
Other names: c.6137C>T, p.Ser2046Phe (NM_001354579.2); short protein forms S2110F, S2046F.
Identifiers: ClinVar variation 1462998 (VCV001462998.5), dbSNP rs751140070, ClinGen allele CA2649348.